The following is an entry in ClinVar:

ClinVar aggregate classification (germline): Uncertain significance (1 of 4 stars; one submission).

Allele frequency attached by ClinVar (database versions not stated): TOPMed 0.00004; gnomAD exomes 0.00005; gnomAD 0.00007; ExAC 0.00008.
gnomAD v4.1: 89 of 1,609,960 alleles (0.0055%); highest among the groups gnomAD compares: Non-Finnish European, 0.0071%; no homozygotes.

Submission:

Labcorp Genetics (formerly Invitae), Labcorp
Classification: Uncertain significance. Last evaluated: 2022-10-17. Review status: criteria provided, single submitter. Criteria: Invitae Variant Classification Sherloc (09022015). Collection method: clinical testing. Allele origin: germline.
Comment: This sequence change replaces glutamic acid, which is acidic and polar, with lysine, which is basic and polar, at codon 289 of the VPS13A protein (p.Glu289Lys). This variant is present in population databases (rs762815118, gnomAD 0.009%). This variant has not been reported in the literature in individuals affected with VPS13A-related conditions. Advanced modeling of protein sequence and biophysical properties (such as structural, functional, and spatial information, amino acid conservation, physicochemical variation, residue mobility, and thermodynamic stability) performed at Invitae indicates that this missense variant is expected to disrupt VPS13A protein function. In summary, the available evidence is currently insufficient to determine the role of this variant in disease. Therefore, it has been classified as a Variant of Uncertain Significance.

NM_033305.3(VPS13A):c.865G>A (p.Glu289Lys)

Gene: VPS13A (vacuolar protein sorting 13 homolog A; plus strand). Cytogenetic location: 9q21.2.
Variant type: single nucleotide variant.
Coding change: c.865G>A on transcript NM_033305.3 (MANE Select); coding-DNA position 865, G replaced by A.
Protein change: p.Glu289Lys; replaces glutamic acid 289 with lysine.
Molecular consequence: missense variant.
Genome position (GRCh38, 1-based): chr9:77,220,064, G>A. VCF-style: chr9-77220064-G-A. GRCh37 (hg19) VCF-style: chr9-79834980-G-A.
Other names: c.865G>A, p.Glu289Lys (NM_001018037.2, NM_001018038.3, NM_015186.4); short protein forms E289K.
Identifiers: ClinVar variation 2153691 (VCV002153691.1), dbSNP rs762815118, ClinGen allele CA5091502.
Genomic context (GRCh38, chr9:77,220,064, plus strand): 5'-GATTTTGACTTTTCTGCCCCCAAAATAAACTTGGAAATTGAGTTACATAACATAGCAATT[G>A]AATTTAATAAACCACAGGTGATTTTCTTTAATATAATTTTCAATTGTGAATTATTGTTTG-3'
Protein context (NP_150648.2, residues 279-299): LEIELHNIAI[Glu289Lys]FNKPQYFSIM